The following is an entry in ClinVar:

NM_017763.6(RNF43):c.673C>T (p.Arg225Cys)

Gene: RNF43 (ring finger protein 43; minus strand). Cytogenetic location: 17q22.
Variant type: single nucleotide variant.
Coding change: c.673C>T on transcript NM_017763.6 (MANE Select); coding-DNA position 673, C replaced by T.
Protein change: p.Arg225Cys; replaces arginine 225 with cysteine.
Molecular consequence: missense variant.
Genome position (GRCh38, 1-based): chr17:58,362,558, G>A on the plus strand (C>T on the coding strand, the complement: RNF43 is on the minus strand). VCF-style: chr17-58362558-G-A. GRCh37 (hg19) VCF-style: chr17-56439919-G-A.
Other names: c.673C>T, p.Arg225Cys (NM_001305544.3); c.292C>T, p.Arg98Cys (NM_001305545.2); c.673C>T (NM_017763.4); short protein forms R98C, R225C.
Identifiers: ClinVar variation 1443312 (VCV001443312.10), dbSNP rs765548407, ClinGen allele CA8673348.

ClinVar aggregate classification (germline): Conflicting classifications of pathogenicity. Review status: criteria provided, conflicting classifications (1 of 4 stars). 3 submissions from 3 submitters: Uncertain significance (2); Likely benign (1). Last evaluated 2025-09-08.

Conditions:
Sessile serrated polyposis cancer syndrome (SSPCS). Identifiers: Orphanet 157798, MedGen C4310714, MONDO:0014919, OMIM 617108.

Allele frequency attached by ClinVar (database versions not stated): gnomAD 0.00001; TOPMed 0.00001; gnomAD exomes 0.00002; ExAC 0.00003.
gnomAD v4.1: 28 of 1,605,558 alleles (0.0017%); highest among the groups gnomAD compares: East Asian, 0.009%; no homozygotes.

Submissions (3):

Ambry Genetics
Classification: Likely benign. Last evaluated: 2025-09-08. Review status: criteria provided, single submitter. Criteria: Ambry Variant Classification Scheme 2023. Collection method: clinical testing. Allele origin: germline.

Labcorp Genetics (formerly Invitae), Labcorp
Classification: Uncertain significance. Last evaluated: 2024-05-09. Review status: criteria provided, single submitter. Criteria: Invitae Variant Classification Sherloc (09022015). Collection method: clinical testing. Allele origin: germline.
Comment: This sequence change replaces arginine, which is basic and polar, with cysteine, which is neutral and slightly polar, at codon 225 of the RNF43 protein (p.Arg225Cys). This variant is present in population databases (rs765548407, gnomAD 0.01%). This variant has not been reported in the literature in individuals affected with RNF43-related conditions. ClinVar contains an entry for this variant (Variation ID: 1443312). Algorithms developed to predict the effect of missense changes on protein structure and function output the following: SIFT: "Not Available"; PolyPhen-2: "Benign"; Align-GVGD: "Not Available". The cysteine amino acid residue is found in multiple mammalian species, which suggests that this missense change does not adversely affect protein function. In summary, the available evidence is currently insufficient to determine the role of this variant in disease. Therefore, it has been classified as a Variant of Uncertain Significance.

Baylor Genetics
Classification: Uncertain significance for Sessile serrated polyposis cancer syndrome. Last evaluated: 2023-09-20. Review status: criteria provided, single submitter. Criteria: ACMG Guidelines, 2015. Collection method: clinical testing. Allele origin: unknown.